The following is an entry in ClinVar:

ClinVar aggregate classification (germline): Uncertain significance (1 of 4 stars; one submission).

Submission:

Labcorp Genetics (formerly Invitae), Labcorp
Classification: Uncertain significance. Last evaluated: 2022-09-07. Review status: criteria provided, single submitter. Criteria: Invitae Variant Classification Sherloc (09022015). Collection method: clinical testing. Allele origin: germline.
Comment: In summary, the available evidence is currently insufficient to determine the role of this variant in disease. Therefore, it has been classified as a Variant of Uncertain Significance. Algorithms developed to predict the effect of missense changes on protein structure and function (SIFT, PolyPhen-2, Align-GVGD) all suggest that this variant is likely to be tolerated. This variant has not been reported in the literature in individuals affected with CARMIL2-related conditions. This variant is not present in population databases (gnomAD no frequency). This sequence change replaces glycine, which is neutral and non-polar, with glutamic acid, which is acidic and polar, at codon 871 of the CARMIL2 protein (p.Gly871Glu).

NM_001013838.3(CARMIL2):c.2612G>A (p.Gly871Glu)

Gene: CARMIL2 (capping protein regulator and myosin 1 linker 2; plus strand). Cytogenetic location: 16q22.1.
Variant type: single nucleotide variant.
Coding change: c.2612G>A on transcript NM_001013838.3 (MANE Select); coding-DNA position 2612, G replaced by A.
Protein change: p.Gly871Glu; replaces glycine 871 with glutamic acid.
Molecular consequence: missense variant.
Genome position (GRCh38, 1-based): chr16:67,651,944, G>A. VCF-style: chr16-67651944-G-A. GRCh37 (hg19) VCF-style: chr16-67685847-G-A.
Other names: c.2504G>A, p.Gly835Glu (NM_001317026.3); short protein forms G835E, G871E.
Identifiers: ClinVar variation 1714413 (VCV001714413.5), dbSNP rs2543564236, ClinGen allele CA396341915.
Genomic context (GRCh38, chr16:67,651,944, plus strand): 5'-AGCCAGCCCATTAACCCCTGTCCTCTCCTGCCCTTAGGGACATGCGGCTATCAATCACGG[G>A]GACCTTGGCAGAGAGCATTGTGGCTCAGGCTTTGGCAGGCCTGAGTGCAGCCCGGGATCA-3'
Protein context (NP_001013860.1, residues 861-881): RLRDMRLSIT[Gly871Glu]TLAESIVAQA